The following is an entry in ClinVar:

NM_001011.4(RPS7):c.109A>C (p.Lys37Gln)

Gene: RPS7 (ribosomal protein S7; plus strand). Cytogenetic location: 2p25.3.
Variant type: single nucleotide variant.
Coding change: c.109A>C on transcript NM_001011.4 (MANE Select); coding-DNA position 109, A replaced by C.
Protein change: p.Lys37Gln; replaces lysine 37 with glutamine.
Molecular consequence: missense variant.
Genome position (GRCh38, 1-based): chr2:3,575,850, A>C. VCF-style: chr2-3575850-A-C. GRCh37 (hg19) VCF-style: chr2-3623440-A-C.
Other names: short protein forms K37Q.
Identifiers: ClinVar variation 3648241 (VCV003648241.2).

ClinVar aggregate classification (germline): Uncertain significance (1 of 4 stars; one submission).

Conditions:
Diamond-Blackfan anemia 8 (DBA8). Also called: RPS7-Related Diamond-Blackfan Anemia. Identifiers: Orphanet 124, MedGen C2675511, MONDO:0012939, OMIM 612563.

Submission:

Labcorp Genetics (formerly Invitae), Labcorp
Classification: Uncertain significance for Diamond-Blackfan anemia 8. Last evaluated: 2024-03-30. Review status: criteria provided, single submitter. Criteria: Invitae Variant Classification Sherloc (09022015). Collection method: clinical testing. Allele origin: germline.
Comment: This sequence change replaces lysine, which is basic and polar, with glutamine, which is neutral and polar, at codon 37 of the RPS7 protein (p.Lys37Gln). This variant is not present in population databases (gnomAD no frequency). This variant has not been reported in the literature in individuals affected with RPS7-related conditions. An algorithm developed to predict the effect of missense changes on protein structure and function (PolyPhen-2) suggests that this variant is likely to be tolerated. In summary, the available evidence is currently insufficient to determine the role of this variant in disease. Therefore, it has been classified as a Variant of Uncertain Significance.